The following is an entry in ClinVar:

NM_002160.4(TNC):c.508G>A (p.Glu170Lys)

Gene: TNC (tenascin C; minus strand). Cytogenetic location: 9q33.1.
Variant type: single nucleotide variant.
Coding change: c.508G>A on transcript NM_002160.4 (MANE Select); coding-DNA position 508, G replaced by A.
Protein change: p.Glu170Lys; replaces glutamic acid 170 with lysine.
Molecular consequence: missense variant.
Genome position (GRCh38, 1-based): chr9:115,087,223, C>T on the plus strand (G>A on the coding strand, the complement: TNC is on the minus strand). VCF-style: chr9-115087223-C-T. GRCh37 (hg19) VCF-style: chr9-117849502-C-T.
Other names: c.508G>A, p.Glu170Lys (NM_001410991.1); short protein forms E170K.
Identifiers: ClinVar variation 3808739 (VCV003808739.2).

ClinVar aggregate classification (germline): Uncertain significance. Review status: criteria provided, multiple submitters, no conflicts (2 of 4 stars). 2 submissions from 2 submitters: Uncertain significance (2). Last evaluated 2026-08-24.

Conditions:
TNC-related disorder. Also called: TNC-related condition.

Submissions (2):

PreventionGenetics, part of Exact Sciences
Classification: Uncertain significance for TNC-related condition. Last evaluated: 2026-08-24. Review status: criteria provided, single submitter. Criteria: ACMG Guidelines, 2015. Collection method: clinical testing. Allele origin: germline.
Comment: The TNC c.508G>A variant is predicted to result in the amino acid substitution p.Glu170Lys. To our knowledge, this variant has not been reported in the literature. This variant is reported in 0.0053% of alleles in individuals of European (Non-Finnish) descent in gnomAD. At this time, the clinical significance of this variant is uncertain due to the absence of conclusive functional and genetic evidence.

Ambry Genetics
Classification: Uncertain significance. Last evaluated: 2025-02-01. Review status: criteria provided, single submitter. Criteria: Ambry Variant Classification Scheme 2023. Collection method: clinical testing. Allele origin: germline.